The following is an entry in ClinVar:

NM_001164665.2(KIAA1549):c.317C>T (p.Pro106Leu)

Gene: KIAA1549 (KIAA1549; minus strand). Cytogenetic location: 7q34.
Variant type: single nucleotide variant.
Coding change: c.317C>T on transcript NM_001164665.2 (MANE Select); coding-DNA position 317, C replaced by T.
Protein change: p.Pro106Leu; replaces proline 106 with leucine.
Molecular consequence: missense variant.
Genome position (GRCh38, 1-based): chr7:138,919,309, G>A on the plus strand (C>T on the coding strand, the complement: KIAA1549 is on the minus strand). VCF-style: chr7-138919309-G-A. GRCh37 (hg19) VCF-style: chr7-138604055-G-A.
Other names: c.317C>T, p.Pro106Leu (NM_020910.3); short protein forms P106L.
Identifiers: ClinVar variation 955554 (VCV000955554.7), dbSNP rs777742105, ClinGen allele CA4506972.

ClinVar aggregate classification (germline): Uncertain significance. Review status: criteria provided, multiple submitters, no conflicts (2 of 4 stars). 2 submissions from 2 submitters: Uncertain significance (2). Last evaluated 2025-09-10.

Conditions:
Inborn genetic diseases. Identifiers: MedGen C0950123, MeSH D030342.

Allele frequency attached by ClinVar (database versions not stated): gnomAD 0.00001 and 0.00007; gnomAD exomes 0.00006; TOPMed 0.00006; 1000 Genomes Project 30x 0.00016.
gnomAD v4.1: 104 of 1,614,016 alleles (0.0064%); highest among the groups gnomAD compares: South Asian, 0.04%; 1 homozygote.

Submissions (2):

Ambry Genetics
Classification: Uncertain significance for Inborn genetic diseases. Last evaluated: 2025-09-10. Review status: criteria provided, single submitter. Criteria: Ambry Variant Classification Scheme 2023. Collection method: clinical testing. Allele origin: germline.

Labcorp Genetics (formerly Invitae), Labcorp
Classification: Uncertain significance. Last evaluated: 2022-09-07. Review status: criteria provided, single submitter. Criteria: Invitae Variant Classification Sherloc (09022015). Collection method: clinical testing. Allele origin: germline.
Comment: This sequence change replaces proline, which is neutral and non-polar, with leucine, which is neutral and non-polar, at codon 106 of the KIAA1549 protein (p.Pro106Leu). This variant is present in population databases (rs777742105, gnomAD 0.03%). This variant has not been reported in the literature in individuals affected with KIAA1549-related conditions. ClinVar contains an entry for this variant (Variation ID: 955554). Algorithms developed to predict the effect of missense changes on protein structure and function are either unavailable or do not agree on the potential impact of this missense change (SIFT: "Deleterious"; PolyPhen-2: "Benign"; Align-GVGD: "Class C0"). In summary, the available evidence is currently insufficient to determine the role of this variant in disease. Therefore, it has been classified as a Variant of Uncertain Significance.